The following is an entry in ClinVar:

ClinVar aggregate classification (germline): Uncertain significance. Review status: criteria provided, multiple submitters, no conflicts (2 of 4 stars). 2 submissions from 2 submitters: Uncertain significance (2). Last evaluated 2023-09-20.

Conditions:
Inborn genetic diseases. Identifiers: MedGen C0950123, MeSH D030342.

Allele frequency attached by ClinVar (database versions not stated): gnomAD exomes 0.00001; TOPMed 0.00001; gnomAD 0.00002.

Submissions (2):

Ambry Genetics
Classification: Uncertain significance for Inborn genetic diseases. Last evaluated: 2023-09-20. Review status: criteria provided, single submitter. Criteria: Ambry Variant Classification Scheme 2023. Collection method: clinical testing. Allele origin: germline.

Labcorp Genetics (formerly Invitae), Labcorp
Classification: Uncertain significance. Last evaluated: 2023-04-09. Review status: criteria provided, single submitter. Criteria: Invitae Variant Classification Sherloc (09022015). Collection method: clinical testing. Allele origin: germline.
Comment: In summary, the available evidence is currently insufficient to determine the role of this variant in disease. Therefore, it has been classified as a Variant of Uncertain Significance. Advanced modeling of protein sequence and biophysical properties (such as structural, functional, and spatial information, amino acid conservation, physicochemical variation, residue mobility, and thermodynamic stability) has been performed at Invitae for this missense variant, however the output from this modeling did not meet the statistical confidence thresholds required to predict the impact of this variant on NCSTN protein function. This variant has not been reported in the literature in individuals affected with NCSTN-related conditions. This variant is present in population databases (rs201760425, gnomAD 0.004%). This sequence change replaces alanine, which is neutral and non-polar, with threonine, which is neutral and polar, at codon 664 of the NCSTN protein (p.Ala664Thr).

NM_015331.3(NCSTN):c.1990G>A (p.Ala664Thr)

Gene: NCSTN (nicastrin; plus strand). Cytogenetic location: 1q23.2.
Variant type: single nucleotide variant.
Coding change: c.1990G>A on transcript NM_015331.3 (MANE Select); coding-DNA position 1990, G replaced by A.
Protein change: p.Ala664Thr; replaces alanine 664 with threonine.
Molecular consequence: missense variant. On other transcripts: intron variant (1).
Genome position (GRCh38, 1-based): chr1:160,357,236, G>A. VCF-style: chr1-160357236-G-A. GRCh37 (hg19) VCF-style: chr1-160327026-G-A.
Other names: c.1990G>A (NM_015331.2); c.1930G>A, p.Ala644Thr (NM_001290184.2); c.1576G>A, p.Ala526Thr (NM_001290186.2); c.1794+482G>A (NM_001349729.2); short protein forms A526T, A664T, A644T.
Identifiers: ClinVar variation 2970917 (VCV002970917.4), dbSNP rs201760425, ClinGen allele CA31542155.